The following is an entry in ClinVar:

NM_007294.4(BRCA1):c.5321A>G (p.Asn1774Ser)

Gene: BRCA1 (BRCA1 DNA repair associated; minus strand). Cytogenetic location: 17q21.31.
Variant type: single nucleotide variant.
Coding change: c.5321A>G on transcript NM_007294.4 (MANE Select); coding-DNA position 5321, A replaced by G.
Protein change: p.Asn1774Ser; replaces asparagine 1774 with serine.
Molecular consequence: missense variant. On other transcripts: non-coding transcript variant (1).
Genome position (GRCh38, 1-based): chr17:43,051,074, T>C on the plus strand (A>G on the coding strand, the complement: BRCA1 is on the minus strand). VCF-style: chr17-43051074-T-C. GRCh37 (hg19) VCF-style: chr17-41203091-T-C.
Other names: c.5108A>G, p.Asn1703Ser (NM_001407571.1, NM_001407899.1, NM_001407900.1 and 12 more transcripts); c.5387A>G, p.Asn1796Ser (NM_001407581.1, NM_001407582.1); c.5384A>G, p.Asn1795Ser (NM_001407583.1, NM_001407585.1, NM_001407587.1 and 1 more transcripts); c.5381A>G, p.Asn1794Ser (NM_001407590.1, NM_001407591.1); c.5321A>G, p.Asn1774Ser (NM_001407593.1, NM_001407594.1, NM_001407596.1 and 6 more transcripts); c.5318A>G, p.Asn1773Ser (NM_001407610.1, NM_001407611.1, NM_001407612.1 and 17 more transcripts); c.5315A>G, p.Asn1772Ser (NM_001407627.1, NM_001407628.1, NM_001407629.1 and 14 more transcripts); c.5306A>G, p.Asn1769Ser (NM_001407647.1); and 72 more; short protein forms N1774S, N1795S, N670S, N1727S, N362S, N557S, N581S, N583S.
Identifiers: ClinVar variation 141467 (VCV000141467.15), dbSNP rs587781770, ClinGen allele CA003474.

ClinVar aggregate classification (germline): Conflicting classifications of pathogenicity. Review status: criteria provided, conflicting classifications (1 of 4 stars). 3 submissions from 3 submitters: Uncertain significance (2); Likely benign (1). Last evaluated 2025-11-04.

Conditions:
Hereditary cancer-predisposing syndrome. Also called: Tumor predisposition; Hereditary neoplastic syndrome; Hereditary Cancer Syndrome; Neoplastic Syndromes, Hereditary. Identifiers: Orphanet 140162, MedGen C0027672, MeSH D009386, MONDO:0015356.
Hereditary breast ovarian cancer syndrome. Also called: Hereditary breast and/or ovarian cancer syndrome; Breast and ovarian cancer; Hereditary breast and ovarian cancer syndrome; Hereditary breast and ovarian cancer; Hereditary breast and ovarian cancer syndrome (HBOC); BRCA1- and BRCA2-Associated Hereditary Breast and Ovarian Cancer. Identifiers: Orphanet 145, MedGen C0677776, MeSH D061325, MONDO:0003582. Disease mechanism: loss of function.
Breast-ovarian cancer, familial, susceptibility to, 1 (BROVCA1). Also called: BRCA1 Hereditary Breast and Ovarian Cancer; OVARIAN CANCER, SUSCEPTIBILITY TO. Identifiers: Orphanet 145, MedGen C2676676, MONDO:0011450, OMIM 604370. Disease mechanism: loss of function.

Submissions (4):

Labcorp Genetics (formerly Invitae), Labcorp
Classification: Uncertain significance for Hereditary breast ovarian cancer syndrome. Last evaluated: 2025-11-04. Review status: criteria provided, single submitter. Criteria: Invitae Variant Classification Sherloc (09022015). Collection method: clinical testing. Allele origin: germline.
Comment: This sequence change replaces asparagine, which is neutral and polar, with serine, which is neutral and polar, at codon 1774 of the BRCA1 protein (p.Asn1774Ser). This variant is not present in population databases (gnomAD no frequency). This missense change has been observed in individual(s) with breast and/or ovarian cancer (PMID: 29470806). ClinVar contains an entry for this variant (Variation ID: 141467). Invitae Evidence Modeling incorporating data from in vitro experimental studies (PMID: 30209399) indicates that this missense variant is not expected to disrupt BRCA1 function with a negative predictive value of 95%. Experimental studies have shown that this missense change does not substantially affect BRCA1 function (PMID: 30209399, 30257991). RNA analysis performed to evaluate the impact of this missense change on mRNA splicing indicates it does not significantly alter splicing (internal data). In summary, the available evidence is currently insufficient to determine the role of this variant in disease. Therefore, it has been classified as a Variant of Uncertain Significance.

Baylor Genetics
Classification: Uncertain significance for Breast-ovarian cancer, familial, susceptibility to, 1. Last evaluated: 2023-11-17. Review status: criteria provided, single submitter. Criteria: ACMG Guidelines, 2015. Collection method: clinical testing. Allele origin: unknown.

Ambry Genetics
Classification: Likely benign for Hereditary cancer-predisposing syndrome. Last evaluated: 2021-05-20. Review status: criteria provided, single submitter. Criteria: Ambry Variant Classification Scheme 2023. Collection method: clinical testing. Allele origin: germline.

Brotman Baty Institute, University of Washington
No classification provided (evidence only). Condition: Breast-ovarian cancer, familial 1. Review status: no classification provided. Collection method: in vitro. Allele origin: not applicable. Functional consequence: functionally_normal. Not counted in ClinVar's aggregate classification.
ClinVar note: "not provided" was previously submitted as the classification for the variant. However, the classification appeared to be based only on an observation of functional data so it was converted to no classification on 2025-07-30.

Literature cited by the submitters: PubMed 29470806 (cited by Labcorp Genetics (formerly Invitae), Labcorp and Ambry Genetics); PubMed 30209399 (cited by Labcorp Genetics (formerly Invitae), Labcorp and Ambry Genetics); PubMed 30257991 (cited by Labcorp Genetics (formerly Invitae), Labcorp and Ambry Genetics).